The following is an entry in ClinVar:

NM_003801.4(GPAA1):c.1703A>G (p.Gln568Arg)

Gene: GPAA1 (glycosylphosphatidylinositol anchor attachment 1; plus strand). Cytogenetic location: 8q24.3.
Variant type: single nucleotide variant.
Coding change: c.1703A>G on transcript NM_003801.4 (MANE Select); coding-DNA position 1703, A replaced by G.
Protein change: p.Gln568Arg; replaces glutamine 568 with arginine.
Molecular consequence: missense variant.
Genome position (GRCh38, 1-based): chr8:144,085,962, A>G. VCF-style: chr8-144085962-A-G. GRCh37 (hg19) VCF-style: chr8-145140865-A-G.
Other names: c.1703A>G (NM_003801.3); short protein forms Q568R.
Identifiers: ClinVar variation 1961259 (VCV001961259.5), dbSNP rs782305274, ClinGen allele CA4933239.
Genomic context (GRCh38, chr8:144,085,962, plus strand): 5'-TGGTGCTGACCAGCCCGGCAGCCACGCTCCTTGGCAGCCTGTTCCTGTGGCGGGAGCTGC[A>G]GGAGGCGCCACTGTCACTGGCCGAGGGCTGGCAGCTCTTCCTGGCAGCGCTAGCCCAGGG-3'
Protein context (NP_003792.1, residues 558-578): LGSLFLWREL[Gln568Arg]EAPLSLAEGW

ClinVar aggregate classification (germline): Uncertain significance. Review status: criteria provided, multiple submitters, no conflicts (2 of 4 stars). 2 submissions from 2 submitters: Uncertain significance (2). Last evaluated 2025-11-06.

Conditions:
Inborn genetic diseases. Identifiers: MedGen C0950123, MeSH D030342.

Allele frequency attached by ClinVar (database versions not stated): ExAC 0.00001; gnomAD 0.00001; TOPMed 0.00001.
gnomAD v4.1: 7 of 1,606,310 alleles (0.00044%); highest among the groups gnomAD compares: East Asian, 0.0022%; no homozygotes.

Submissions (2):

Ambry Genetics
Classification: Uncertain significance for Inborn genetic diseases. Last evaluated: 2025-11-06. Review status: criteria provided, single submitter. Criteria: Ambry Variant Classification Scheme 2023. Collection method: clinical testing. Allele origin: germline.

Labcorp Genetics (formerly Invitae), Labcorp
Classification: Uncertain significance. Last evaluated: 2025-01-13. Review status: criteria provided, single submitter. Criteria: Invitae Variant Classification Sherloc (09022015). Collection method: clinical testing. Allele origin: germline.
Comment: This sequence change replaces glutamine, which is neutral and polar, with arginine, which is basic and polar, at codon 568 of the GPAA1 protein (p.Gln568Arg). This variant is present in population databases (rs782305274, gnomAD 0.01%). This variant has not been reported in the literature in individuals affected with GPAA1-related conditions. ClinVar contains an entry for this variant (Variation ID: 1961259). An algorithm developed to predict the effect of missense changes on protein structure and function outputs the following: PolyPhen-2: "Benign". The arginine amino acid residue is found in multiple mammalian species, which suggests that this missense change does not adversely affect protein function. In summary, the available evidence is currently insufficient to determine the role of this variant in disease. Therefore, it has been classified as a Variant of Uncertain Significance.